The following is an entry in ClinVar:

ClinVar aggregate classification (germline): Uncertain significance (1 of 4 stars; one submission).

Conditions:
Brugada syndrome 8 (BRGDA8). Identifiers: Orphanet 130, MedGen C2751083, MONDO:0013148, OMIM 613123.

Submission:

Labcorp Genetics (formerly Invitae), Labcorp
Classification: Uncertain significance for Brugada syndrome 8. Last evaluated: 2024-08-31. Review status: criteria provided, single submitter. Criteria: Invitae Variant Classification Sherloc (09022015). Collection method: clinical testing. Allele origin: germline.
Comment: This sequence change replaces glycine, which is neutral and non-polar, with arginine, which is basic and polar, at codon 950 of the HCN4 protein (p.Gly950Arg). This variant is not present in population databases (gnomAD no frequency). This variant has not been reported in the literature in individuals affected with HCN4-related conditions. Invitae Evidence Modeling of protein sequence and biophysical properties (such as structural, functional, and spatial information, amino acid conservation, physicochemical variation, residue mobility, and thermodynamic stability) indicates that this missense variant is not expected to disrupt HCN4 protein function with a negative predictive value of 95%. In summary, the available evidence is currently insufficient to determine the role of this variant in disease. Therefore, it has been classified as a Variant of Uncertain Significance.

NM_005477.3(HCN4):c.2848G>A (p.Gly950Arg)

Gene: HCN4 (hyperpolarization activated cyclic nucleotide gated potassium channel 4; minus strand). Cytogenetic location: 15q24.1.
Variant type: single nucleotide variant.
Coding change: c.2848G>A on transcript NM_005477.3 (MANE Select); coding-DNA position 2848, G replaced by A.
Protein change: p.Gly950Arg; replaces glycine 950 with arginine.
Molecular consequence: missense variant.
Genome position (GRCh38, 1-based): chr15:73,323,245, C>T on the plus strand (G>A on the coding strand, the complement: HCN4 is on the minus strand). VCF-style: chr15-73323245-C-T. GRCh37 (hg19) VCF-style: chr15-73615586-C-T.
Other names: short protein forms G950R.
Identifiers: ClinVar variation 3712258 (VCV003712258.2).